The following is an entry in ClinVar:

NM_015559.3(SETBP1):c.3520T>G (p.Phe1174Val)

Gene: SETBP1 (SET binding protein 1; plus strand). Cytogenetic location: 18q12.3.
Variant type: single nucleotide variant.
Coding change: c.3520T>G on transcript NM_015559.3 (MANE Select); coding-DNA position 3520, T replaced by G.
Protein change: p.Phe1174Val; replaces phenylalanine 1174 with valine.
Molecular consequence: missense variant.
Genome position (GRCh38, 1-based): chr18:44,952,860, T>G. VCF-style: chr18-44952860-T-G. GRCh37 (hg19) VCF-style: chr18-42532825-T-G.
Other names: c.3520T>G, p.Phe1174Val (NM_001379141.1, NM_001379142.1, NM_001410862.1); short protein forms F1174V.
Identifiers: ClinVar variation 3660582 (VCV003660582.2).

ClinVar aggregate classification (germline): Uncertain significance (1 of 4 stars; one submission).

Submission:

Labcorp Genetics (formerly Invitae), Labcorp
Classification: Uncertain significance. Last evaluated: 2024-07-25. Review status: criteria provided, single submitter. Criteria: Invitae Variant Classification Sherloc (09022015). Collection method: clinical testing. Allele origin: germline.
Comment: This sequence change replaces phenylalanine, which is neutral and non-polar, with valine, which is neutral and non-polar, at codon 1174 of the SETBP1 protein (p.Phe1174Val). This variant is not present in population databases (gnomAD no frequency). This variant has not been reported in the literature in individuals affected with SETBP1-related conditions. Advanced modeling of protein sequence and biophysical properties (such as structural, functional, and spatial information, amino acid conservation, physicochemical variation, residue mobility, and thermodynamic stability) has been performed at Invitae for this missense variant, however the output from this modeling did not meet the statistical confidence thresholds required to predict the impact of this variant on SETBP1 protein function. In summary, the available evidence is currently insufficient to determine the role of this variant in disease. Therefore, it has been classified as a Variant of Uncertain Significance.